The following is an entry in ClinVar:

NM_080680.3(COL11A2):c.529C>T (p.Arg177Ter)

Gene: COL11A2 (collagen type XI alpha 2 chain; minus strand). Cytogenetic location: 6p21.32.
Variant type: single nucleotide variant.
Coding change: c.529C>T on transcript NM_080680.3 (MANE Select); coding-DNA position 529, C replaced by T.
Protein change: p.Arg177Ter; replaces arginine 177 with a stop codon.
Molecular consequence: nonsense.
Genome position (GRCh38, 1-based): chr6:33,188,439, G>A on the plus strand (C>T on the coding strand, the complement: COL11A2 is on the minus strand). VCF-style: chr6-33188439-G-A. GRCh37 (hg19) VCF-style: chr6-33156216-G-A.
Other names: c.529C>T, p.Arg177Ter (NM_001163771.2, NM_080679.3, NM_080681.3); short protein forms R177*.
Identifiers: ClinVar variation 488752 (VCV000488752.3), dbSNP rs764450149, ClinGen allele CA3751643.

ClinVar aggregate classification (germline): Pathogenic/Likely pathogenic. Review status: criteria provided, multiple submitters, no conflicts (2 of 4 stars). 2 submissions from 2 submitters: Pathogenic (1); Likely pathogenic (1). Last evaluated 2023-04-28.

Allele frequency attached by ClinVar (database versions not stated): ExAC 0.00002.
gnomAD v4.1: 7 of 1,612,978 alleles (0.00043%); highest among the groups gnomAD compares: East Asian, 0.0022%; no homozygotes.

Submissions (2):

Labcorp Genetics (formerly Invitae), Labcorp
Classification: Pathogenic. Last evaluated: 2023-04-28. Review status: criteria provided, single submitter. Criteria: Invitae Variant Classification Sherloc (09022015). Collection method: clinical testing. Allele origin: germline.
Comment: For these reasons, this variant has been classified as Pathogenic. ClinVar contains an entry for this variant (Variation ID: 488752). This variant is also known as R310X. This variant has not been observed in the literature in individuals with autosomal recessive COL11A2-related conditions. This variant has been reported in individual(s) with Robin sequence (PMID: 12673280); however, the role of the variant in this condition is currently unclear. This variant is present in population databases (rs764450149, gnomAD 0.003%). This sequence change creates a premature translational stop signal (p.Arg177*) in the COL11A2 gene. It is expected to result in an absent or disrupted protein product. Loss-of-function variants in COL11A2 are known to be pathogenic (PMID: 10677296, 21204229).

GeneDx
Classification: Likely pathogenic. Last evaluated: 2017-06-22. Review status: criteria provided, single submitter. Criteria: GeneDx Variant Classification (06012015). Collection method: clinical testing. Allele origin: germline. Affected: yes.
Comment: The R177X likely pathogenic variant in the COL11A2 gene has been previously described in an individual with non-syndromic Robin sequence (Melkoniemi et al., 2003). The father, who was also heterozygous for this variant, was found to have a high-arched palate and a small, upturned nose (Melkoniemi et al., 2003). The R177X variant is predicted to cause loss of normal protein function either by protein truncation or nonsense-mediated mRNA decay. Other nonsense variants in the COL11A2 gene have been reported in Human Gene Mutation Database in association with COL11A2-related disorders (Stenson et al., 2014). Furthermore, R177X is not observed at a significant frequency in large population cohorts (Lek et al., 2016; 1000 Genomes Consortium et al., 2015; Exome Variant Server).In summary, R177X in the COL11A2 gene is interpreted as a likely pathogenic variant. Pathogenic variants in the COL11A2 gene are associated with both autosomal dominant and autosomal recessive conditions.

Literature cited by the submitters: PubMed 12673280 (cited by Labcorp Genetics (formerly Invitae), Labcorp); PubMed 10677296 (cited by Labcorp Genetics (formerly Invitae), Labcorp); PubMed 21204229 (cited by Labcorp Genetics (formerly Invitae), Labcorp).